The following is an entry in ClinVar:

ClinVar aggregate classification (germline): Conflicting classifications of pathogenicity. Review status: criteria provided, conflicting classifications (1 of 4 stars). 6 submissions from 6 submitters: Uncertain significance (2); Likely benign (2). 2 of the submissions do not count toward it. Last evaluated 2026-06-03.

Conditions:
Cardiovascular phenotype. Identifiers: MedGen CN230736.
TTN-related disorder. Also called: TTN-related condition; TTN-related disease; TTN-related disorders.

Submissions (6):

PreventionGenetics, part of Exact Sciences
Classification: Uncertain significance for TTN-related condition. Last evaluated: 2026-06-03. Review status: criteria provided, single submitter. Criteria: ACMG Guidelines, 2015. Collection method: clinical testing. Allele origin: germline.
Comment: The TTN c.76386_76388delTAA variant is predicted to result in an in-frame deletion (p.Asn25462del). To our knowledge, this variant has not been reported in the literature. This variant is reported in 0.033% of alleles in individuals of African descent in gnomAD. At this time, the clinical significance of this variant is uncertain due to the absence of conclusive functional and genetic evidence.

Ambry Genetics
Classification: Likely benign for Cardiovascular phenotype. Last evaluated: 2020-08-04. Review status: criteria provided, single submitter. Criteria: Ambry Variant Classification Scheme 2023. Collection method: clinical testing. Allele origin: germline.

GeneDx
Classification: Likely benign. Last evaluated: 2019-10-29. Review status: criteria provided, single submitter. Criteria: GeneDx Variant Classification Process June 2021. Collection method: clinical testing. Allele origin: germline. Affected: yes.

Eurofins Ntd Llc (ga)
Classification: Uncertain significance. Last evaluated: 2015-09-10. Review status: criteria provided, single submitter. Criteria: EGL Classification Definitions 2015. Collection method: clinical testing. Allele origin: germline. Observed: 1 variant allele, 1 heterozygote.

Clinical Genetics DNA and cytogenetics Diagnostics Lab, Erasmus MC, Erasmus Medical Center
Classification: Uncertain significance. Review status: no assertion criteria provided. Collection method: clinical testing. Allele origin: germline. Affected: yes. Study: VKGL Data-share Consensus. Not counted in ClinVar's aggregate classification.

Clinical Genetics, Academic Medical Center
Classification: Uncertain significance. Review status: no assertion criteria provided. Collection method: clinical testing. Allele origin: germline. Affected: yes. Study: VKGL Data-share Consensus. Not counted in ClinVar's aggregate classification.

NM_001267550.2(TTN):c.76383TAA[1] (p.Asn25462del)

Genes: TTN-AS1 (TTN antisense RNA 1; plus strand), TTN (titin; minus strand). Cytogenetic location: 2q31.2.
Variant type: Microsatellite.
Coding change: c.76383TAA[1] on transcript NM_001267550.2 (MANE Select); one copy of the 3-base unit TAA starting at c.76383; the reference has two copies in a row; one copy, 3 bases deleted.
Protein change: p.Asn25462del; deletes asparagine 25462.
Molecular consequence: inframe deletion.
Genome position (GRCh38, 1-based): chr2:178,569,744-178,569,746, TTA deleted on the plus strand (TAA on the coding strand, the reverse complement: TTN is on the minus strand); deleting any 3 consecutive bases within chr2:178,569,744-178,569,749 gives the same sequence; the position shown is the placement nearest the transcript's 3' end. VCF-style (leftmost placement, unchanged base first): chr2-178569743-TTTA-T. GRCh37 (hg19) VCF-style: chr2-179434470-TTTA-T.
Other names: c.49191_49193delTAA (NM_003319.4); c.76386_76388delTAA (NM_001267550.2); c.71463_71465delTAA (NM_001256850.1); c.71460TAA[1], p.Asn23821del (NM_001256850.1); c.49188TAA[1], p.Asn16397del (NM_003319.4); c.68679TAA[1], p.Asn22894del (NM_133378.4); c.49563TAA[1], p.Asn16522del (NM_133432.3); c.49764TAA[1], p.Asn16589del (NM_133437.4); short protein forms N22894del, N25462del, N16397del, N16589del, N16522del, N23821del.
Identifiers: ClinVar variation 282361 (VCV000282361.13), dbSNP rs749648136, ClinGen allele CA1989917.